The following is an entry in ClinVar:

ClinVar aggregate classification (germline): Uncertain significance (1 of 4 stars; one submission).

Submission:

ISCA site 14
Classification: Uncertain significance. Last evaluated: 2011-08-12. Review status: criteria provided, single submitter. Criteria: Kaminsky et al. (Genet Med. 2011). Collection method: clinical testing. Allele origin: maternal. Affected: yes. Observed: 1 variant allele.
Comment: Copy number variation identified through the course of routine clinical cytogenomic testing in postnatal populations. Clinical assertions have been curated as described in Kaminsky et al. 2011.

GRCh38/hg38 18q12.1(chr18:29879161-31727247)x3

Genes: B4GALT6 (beta-1,4-galactosyltransferase 6; minus strand), DSC1 (desmocollin 1; minus strand), DSC2 (desmocollin 2; minus strand), DSC3 (desmocollin 3; minus strand), DSCAS (DSC1/DSC2 antisense RNA; plus strand) and 29 more. Cytogenetic location: 18q12.1.
Variant type: copy number gain.
Change: copy number 3 (three copies instead of two) of chr18:29,879,161-31,727,247 (1.85 Mb, GRCh38 coordinates, 1-based), cytogenetic band 18q12.1.
Identifiers: ClinVar variation 60208 (VCV000060208.1).